The following is an entry in ClinVar:

ClinVar aggregate classification (germline): Conflicting classifications of pathogenicity. Review status: criteria provided, conflicting classifications (1 of 4 stars). 3 submissions from 3 submitters: Likely pathogenic (2); Uncertain significance (1). Last evaluated 2025-10-21.

Conditions:
Gaucher disease-ophthalmoplegia-cardiovascular calcification syndrome. Also called: GAUCHER DISEASE, TYPE IIIC. Identifiers: Orphanet 2072, MedGen C1856476, MONDO:0009268, OMIM 231005.
Gaucher disease type I (GD1). Also called: Type 1 Gaucher Disease; GAUCHER DISEASE, NONCEREBRAL JUVENILE; GBA DEFICIENCY; GD I; GLUCOCEREBROSIDASE DEFICIENCY; GD 1. Identifiers: Orphanet 355, Orphanet 77259, MedGen C1961835, MONDO:0009265, OMIM 230800.
Gaucher disease type II (GD2). Also called: Type 2 Gaucher disease (Acute; Infantile); GAUCHER DISEASE, ACUTE NEURONOPATHIC TYPE; GD II; Acute neuronopathic Gaucher's disease. Identifiers: Orphanet 77260, MedGen C0268250, MONDO:0009266, OMIM 230900.
Gaucher disease type III. Also called: Type 3 Gaucher disease (Subacute; Juvenile); GAUCHER DISEASE, CHRONIC NEURONOPATHIC TYPE; GAUCHER DISEASE, JUVENILE AND ADULT, CEREBRAL; GAUCHER DISEASE, SUBACUTE NEURONOPATHIC TYPE; GD III; Gaucher Disease, Type 3. Identifiers: Orphanet 355, Orphanet 77261, MedGen C0268251, MONDO:0009267, OMIM 231000.
Gaucher disease. Also called: Acute cerebral Gaucher disease; Cerebroside lipidosis syndrome; Gaucher splenomegaly; Sphingolipidosis 1; Glucocerebrosidosis; Glucosylceramidase deficiency. Identifiers: Orphanet 355, MedGen C0017205, MONDO:0018150.

Allele frequency attached by ClinVar (database versions not stated): ExAC 0.00002.
gnomAD v4.1: 11 of 1,613,386 alleles (0.00068%); highest among the groups gnomAD compares: South Asian, 0.0044%; no homozygotes.

Submissions (3):

Natera, Inc.
Classification: Likely pathogenic for Gaucher disease. Last evaluated: 2025-10-21. Review status: criteria provided, single submitter. Criteria: Natera Variant Classification Schema (03/2026). Collection method: clinical testing. Allele origin: germline.
Comment: The c.509G>A variant in GBA1 is a missense variant predicted to cause substitution of arginine to histidine at amino acid 170. This variant is rare in the general population with a frequency below the threshold expected for the associated phenotype(s). This variant has been observed in one or more individuals affected with the associated recessive disease, as either homozygous or compound heterozygous with a second variant (PMID: 24513544). This variant has been identified in one or more affected individuals with a phenotype highly consistent with the associated gene (PMID: 24513544). A different variant at the same position has been determined to be Pathogenic or Likely Pathogenic. Given the available evidence, this variant is classified as Likely Pathogenic.

Women's Health and Genetics/Laboratory Corporation of America, LabCorp
Classification: Uncertain significance. Last evaluated: 2022-08-03. Review status: criteria provided, single submitter. Criteria: LabCorp Variant Classification Summary - May 2015. Collection method: clinical testing. Allele origin: germline.
Comment: Variant summary: GBA c.509G>A (p.Arg170His), also referred to as p.R131H, results in a non-conservative amino acid change located in the Glycosyl hydrolase family 30, TIM-barrel domain (IPR033453) of the encoded protein sequence. Three of five in-silico tools predict a damaging effect of the variant on protein function. The variant allele was found at a frequency of 2.4e-05 in 251178 control chromosomes (gnomAD). The available data on variant occurrences in the general population are insufficient to allow any conclusion about variant significance. c.509G>A has been reported in the literature in at least two individuals affected with Gaucher Disease (e.g. Liao_2014, Hassan_2018). At least one other variant causing a different missense change at the same amino acid residue has been classified as pathogenic in ClinVar (e.g. c.508C>T, p.Arg170Cys; ClinVar: 93453). These data do not allow any strong conclusion about variant significance. To our knowledge, no experimental evidence demonstrating an impact on protein function has been reported. No clinical diagnostic laboratories have submitted clinical-significance assessments for this variant to ClinVar after 2014. Based on the evidence outlined above, the variant was classified as uncertain significance.

Baylor Genetics
Classification: Likely pathogenic for Gaucher disease type I; Gaucher disease type II; Gaucher disease type III; Gaucher disease-ophthalmoplegia-cardiovascular calcification syndrome. Review status: criteria provided, single submitter. Criteria: ACMG Guidelines, 2015. Collection method: clinical testing. Allele origin: germline.

Literature cited by the submitters: PubMed 24513544 (cited by Natera, Inc. and Women's Health and Genetics/Laboratory Corporation of America, LabCorp); PubMed 29980418 (cited by Women's Health and Genetics/Laboratory Corporation of America, LabCorp).

NM_000157.4(GBA1):c.509G>A (p.Arg170His)

Genes: GBA1 (glucosylceramidase beta 1; minus strand), LOC106627981 (GBA recombination region; plus strand). Cytogenetic location: 1q22.
Variant type: single nucleotide variant.
Coding change: c.509G>A on transcript NM_000157.4 (MANE Select); coding-DNA position 509, G replaced by A.
Protein change: p.Arg170His; replaces arginine 170 with histidine.
Molecular consequence: missense variant.
Genome position (GRCh38, 1-based): chr1:155,238,596, C>T on the plus strand (G>A on the coding strand, the complement: GBA1 is on the minus strand). VCF-style: chr1-155238596-C-T. GRCh37 (hg19) VCF-style: chr1-155208387-C-T.
Other names: c.509G>A, p.Arg170His (NM_001005741.3, NM_001005742.3); c.248G>A, p.Arg83His (NM_001171811.2); c.362G>A, p.Arg121His (NM_001171812.2); c.509G>A (NM_000157.3); short protein forms R83H, R121H, R170H.
Identifiers: ClinVar variation 813341 (VCV000813341.3), dbSNP rs80356763, ClinGen allele CA1141729.
Genomic context (GRCh38, chr1:155,238,596, plus strand): 5'-TCTGGGAGGCTGAAGTTGTGCAACTGGAAATCATCAGGGGTGTCTGCATAGGTGTAGGTG[C>T]GGATGGAGAAGTCACAGCTGGCCATGGGTACCCGGATGATGTTATATCCGATTCCTACAG-3'
Protein context (NP_000148.2, residues 160-180): VPMASCDFSI[Arg170His]TYTYADTPDD